The following is an entry in ClinVar:

NM_000264.5(PTCH1):c.897G>A (p.Pro299=)

Gene: PTCH1 (patched 1; minus strand). Cytogenetic location: 9q22.32.
Variant type: single nucleotide variant.
Coding change: c.897G>A on transcript NM_000264.5 (MANE Select); coding-DNA position 897, G replaced by A.
Protein change: p.Pro299=; no amino-acid change (proline 299 retained).
Molecular consequence: synonymous variant. On other transcripts: non-coding transcript variant (1).
Genome position (GRCh38, 1-based): chr9:95,480,438, C>T on the plus strand (G>A on the coding strand, the complement: PTCH1 is on the minus strand). VCF-style: chr9-95480438-C-T. GRCh37 (hg19) VCF-style: chr9-98242720-C-T.
Other names: c.699G>A, p.Pro233= (NM_001083602.3); c.894G>A, p.Pro298= (NM_001083603.3); c.444G>A, p.Pro148= (NM_001083604.3, NM_001083605.3, NM_001083606.3 and 1 more transcripts); c.897G>A, p.Pro299= (NM_001354918.2).
Identifiers: ClinVar variation 237505 (VCV000237505.20), dbSNP rs56141639, ClinGen allele CA5138825.

ClinVar aggregate classification (germline): Likely benign. Review status: criteria provided, multiple submitters, no conflicts (2 of 4 stars). 5 submissions from 5 submitters: Likely benign (4). 1 of the submissions does not count toward it. Last evaluated 2026-01-28.

Conditions:
Hereditary cancer-predisposing syndrome. Also called: Tumor predisposition; Hereditary Cancer Syndrome; Hereditary neoplastic syndrome; Neoplastic Syndromes, Hereditary. Identifiers: Orphanet 140162, MedGen C0027672, MeSH D009386, MONDO:0015356.
PTCH1-related disorder. Also called: PTCH1-related disorders; PTCH1-related condition.
Gorlin syndrome. Also called: Nevoid Basal Cell Carcinoma Syndrome; Basal cell nevus syndrome. Identifiers: Orphanet 377, MedGen C0004779, MONDO:0007187.

Allele frequency attached by ClinVar (database versions not stated): ExAC 0.00002; gnomAD 0.00004; TOPMed 0.00004; gnomAD exomes 0.00005; ESP Exome Variant Server 0.00008.
gnomAD v4.1: 86 of 1,611,250 alleles (0.0053%); highest among the groups gnomAD compares: Non-Finnish European, 0.0065%; no homozygotes.

Submissions (5):

Labcorp Genetics (formerly Invitae), Labcorp
Classification: Likely benign for Gorlin syndrome. Last evaluated: 2026-01-28. Review status: criteria provided, single submitter. Criteria: Invitae Variant Classification Sherloc (09022015). Collection method: clinical testing. Allele origin: germline.

Center for Genomic Medicine, Rigshospitalet, Copenhagen University Hospital
Classification: Likely benign. Last evaluated: 2025-03-04. Review status: criteria provided, single submitter. Criteria: ACMG Guidelines, 2015. Collection method: clinical testing. Allele origin: germline.

Sema4
Classification: Likely benign for Hereditary cancer-predisposing syndrome. Last evaluated: 2022-02-09. Review status: criteria provided, single submitter. Criteria: Sema4 Curation Guidelines. Collection method: curation. Allele origin: germline.

Ambry Genetics
Classification: Likely benign for Hereditary cancer-predisposing syndrome. Last evaluated: 2017-09-12. Review status: criteria provided, single submitter. Criteria: Ambry Variant Classification Scheme 2023. Collection method: clinical testing. Allele origin: germline.

PreventionGenetics, part of Exact Sciences
Classification: Likely benign for PTCH1-related condition. Last evaluated: 2024-02-02. Review status: no assertion criteria provided. Collection method: clinical testing. Allele origin: germline. Not counted in ClinVar's aggregate classification.
Comment: This variant is classified as likely benign based on ACMG/AMP sequence variant interpretation guidelines (Richards et al. 2015 PMID: 25741868, with internal and published modifications).